The following is an entry in ClinVar:

NM_000038.6(APC):c.2322C>A (p.Asp774Glu)

Gene: APC (APC regulator of Wnt signaling pathway; plus strand). Cytogenetic location: 5q22.2.
Variant type: single nucleotide variant.
Coding change: c.2322C>A on transcript NM_000038.6 (MANE Select); coding-DNA position 2322, C replaced by A.
Protein change: p.Asp774Glu; replaces aspartic acid 774 with glutamic acid.
Molecular consequence: missense variant.
Genome position (GRCh38, 1-based): chr5:112,837,916, C>A. VCF-style: chr5-112837916-C-A. GRCh37 (hg19) VCF-style: chr5-112173613-C-A.
Other names: c.2247C>A, p.Asp749Glu (NM_001354898.2); c.2352C>A, p.Asp784Glu (NM_001354897.2); c.2376C>A, p.Asp792Glu (NM_001354896.2); c.2238C>A, p.Asp746Glu (NM_001354899.2); c.2322C>A, p.Asp774Glu (NM_001127510.3, NM_001354895.2); c.2268C>A, p.Asp756Glu (NM_001127511.3); c.2199C>A, p.Asp733Glu (NM_001354900.2); c.2145C>A, p.Asp715Glu (NM_001354901.2); and 5 more; short protein forms D756E, D774E, D648E, D683E, D746E, D749E, D491E, D792E.
Identifiers: ClinVar variation 232720 (VCV000232720.16), dbSNP rs145792879, ClinGen allele CA10578338.
Genomic context (GRCh38, chr5:112,837,916, plus strand): 5'-TAGGAAACAAAAAGCCCTAGAAGCAGAATTAGATGCTCAGCACTTATCAGAAACTTTTGA[C>A]AATATAGACAATTTAAGTCCCAAGGCATCTCATCGTAGTAAGCAGAGACACAAGCAAAGT-3'
Protein context (NP_000029.2, residues 764-784): LDAQHLSETF[Asp774Glu]NIDNLSPKAS

ClinVar aggregate classification (germline): Uncertain significance. Review status: criteria provided, multiple submitters, no conflicts (2 of 4 stars). 3 submissions from 3 submitters: Uncertain significance (3). Last evaluated 2024-07-16.

Conditions:
Classic or attenuated familial adenomatous polyposis. Identifiers: MedGen CN372698, MONDO:0021057.
Hereditary cancer-predisposing syndrome. Also called: Neoplastic Syndromes, Hereditary; Tumor predisposition; Hereditary Cancer Syndrome; Hereditary neoplastic syndrome. Identifiers: Orphanet 140162, MedGen C0027672, MeSH D009386, MONDO:0015356.
Familial adenomatous polyposis 1 (FAP1). Also called: FAMILIAL ADENOMATOUS POLYPOSIS 1, ATTENUATED; POLYPOSIS, ADENOMATOUS INTESTINAL. Identifiers: MedGen C2713442, MONDO:0021056, OMIM 175100. Disease mechanism: loss of function.

Submissions (3):

Labcorp Genetics (formerly Invitae), Labcorp
Classification: Uncertain significance for Familial adenomatous polyposis 1. Last evaluated: 2024-07-16. Review status: criteria provided, single submitter. Criteria: Invitae Variant Classification Sherloc (09022015). Collection method: clinical testing. Allele origin: germline.
Comment: This sequence change replaces aspartic acid, which is acidic and polar, with glutamic acid, which is acidic and polar, at codon 774 of the APC protein (p.Asp774Glu). This variant is not present in population databases (gnomAD no frequency). This variant has not been reported in the literature in individuals affected with APC-related conditions. ClinVar contains an entry for this variant (Variation ID: 232720). Advanced modeling of protein sequence and biophysical properties (such as structural, functional, and spatial information, amino acid conservation, physicochemical variation, residue mobility, and thermodynamic stability) performed at Invitae indicates that this missense variant is not expected to disrupt APC protein function with a negative predictive value of 95%. In summary, the available evidence is currently insufficient to determine the role of this variant in disease. Therefore, it has been classified as a Variant of Uncertain Significance.

Ambry Genetics
Classification: Uncertain significance for Hereditary cancer-predisposing syndrome. Last evaluated: 2023-08-30. Review status: criteria provided, single submitter. Criteria: Ambry Variant Classification Scheme 2023. Collection method: clinical testing. Allele origin: germline.
Comment: The p.D774E variant (also known as c.2322C>A), located in coding exon 15 of the APC gene, results from a C to A substitution at nucleotide position 2322. The aspartic acid at codon 774 is replaced by glutamic acid, an amino acid with highly similar properties. This amino acid position is highly conserved in available vertebrate species. In addition, in silico predictors for this gene do not accurately predict pathogenicity. Since supporting evidence is limited at this time, the clinical significance of this alteration remains unclear.

All of Us Research Program, National Institutes of Health
Classification: Uncertain significance for Classic or attenuated familial adenomatous polyposis. Last evaluated: 2023-06-26. Review status: criteria provided, single submitter. Criteria: ACMG Guidelines, 2015. Collection method: clinical testing. Allele origin: germline. Inheritance: Autosomal dominant inheritance. Observed: 1 variant allele, 1 heterozygote.
Comment: This missense variant replaces aspartic acid with glutamic acid at codon 774 of the APC protein. Computational prediction suggests that this variant may not impact protein structure and function (internally defined REVEL score threshold <= 0.5, PMID: 27666373). To our knowledge, functional studies have not been reported for this variant. This variant has not been reported in individuals affected with APC-related disorders in the literature. This variant has not been identified in the general population by the Genome Aggregation Database (gnomAD). The available evidence is insufficient to determine the role of this variant in disease conclusively. Therefore, this variant is classified as a Variant of Uncertain Significance.

This study involves interpretation of variants in research participants for the purpose of population health screening. Participant phenotype was not available at the time of variant classification. Additional details can be found in publication PMID: 35346344, PMCID: PMC8962531